The following is an entry in ClinVar:

NM_007294.4(BRCA1):c.3286_3289del (p.Gln1096fs)

Genes: BRCA1 (BRCA1 DNA repair associated; minus strand), LOC126862571 (BRD4-independent group 4 enhancer GRCh37_chr17:41243136-41244335; plus strand). Cytogenetic location: 17q21.31.
Variant type: Deletion.
Coding change: c.3286_3289del on transcript NM_007294.4 (MANE Select); coding-DNA positions 3286 to 3289, 4 bases deleted (CAAA; older notation c.3286_3289delCAAA).
Protein change: p.Gln1096fs; shifts the reading frame from glutamine 1096.
Molecular consequence: frameshift variant. On other transcripts: intron variant (137).
Genome position (GRCh38, 1-based): chr17:43,092,242-43,092,245, TTTG deleted on the plus strand (CAAA on the coding strand, the reverse complement: BRCA1 is on the minus strand); deleting any 4 consecutive bases within chr17:43,092,242-43,092,248 gives the same sequence; the c. name uses the placement nearest the transcript's 3' end. VCF-style (leftmost placement, unchanged base first): chr17-43092241-CTTTG-C. GRCh37 (hg19) VCF-style: chr17-41244258-CTTTG-C.
Other names: c.3286_3289delCAAA (NM_007294.3); c.3073_3076del, p.Gln1025fs (NM_001407571.1, NM_001407853.1, NM_001407894.1 and 9 more transcripts); c.3286_3289del, p.Gln1096fs (NM_001407581.1, NM_001407582.1, NM_001407583.1 and 30 more transcripts); c.3283_3286del, p.Gln1095fs (NM_001407587.1, NM_001407590.1, NM_001407591.1 and 22 more transcripts); c.3277_3280del, p.Gln1093fs (NM_001407646.1, NM_001407647.1); c.3163_3166del, p.Gln1055fs (NM_001407648.1, NM_001407664.1, NM_001407665.1 and 19 more transcripts); c.3160_3163del, p.Gln1054fs (NM_001407649.1, NM_001407670.1, NM_001407671.1 and 11 more transcripts); c.3208_3211del, p.Gln1070fs (NM_001407653.1, NM_001407654.1, NM_001407655.1 and 4 more transcripts); and 42 more; short protein forms Q1096fs, Q1049fs, Q1025fs, Q1069fs, Q928fs, Q984fs, Q1007fs, Q1055fs.
Identifiers: ClinVar variation 1383435 (VCV001383435.10), dbSNP rs2154331547, ClinGen allele CA2573154084.

ClinVar aggregate classification (germline): Pathogenic. Review status: criteria provided, multiple submitters, no conflicts (2 of 4 stars). 2 submissions from 2 submitters: Pathogenic (2). Last evaluated 2025-08-07.

Conditions:
Hereditary cancer-predisposing syndrome. Also called: Tumor predisposition; Neoplastic Syndromes, Hereditary; Hereditary Cancer Syndrome; Hereditary neoplastic syndrome. Identifiers: Orphanet 140162, MedGen C0027672, MeSH D009386, MONDO:0015356.
Hereditary breast ovarian cancer syndrome. Also called: Hereditary breast and ovarian cancer syndrome (HBOC); Breast and ovarian cancer; BRCA1- and BRCA2-Associated Hereditary Breast and Ovarian Cancer; Hereditary breast and ovarian cancer; Hereditary breast and ovarian cancer syndrome; Hereditary breast and/or ovarian cancer syndrome. Identifiers: Orphanet 145, MedGen C0677776, MeSH D061325, MONDO:0003582. Disease mechanism: loss of function.

Submissions (2):

Ambry Genetics
Classification: Pathogenic for Hereditary cancer-predisposing syndrome. Last evaluated: 2025-08-07. Review status: criteria provided, single submitter. Criteria: Ambry Variant Classification Scheme 2023. Collection method: clinical testing. Allele origin: germline.
Comment: The c.3286_3289delCAAA pathogenic mutation, located in coding exon 9 of the BRCA1 gene, results from a deletion of 4 nucleotides at nucleotide positions 3286 to 3289, causing a translational frameshift with a predicted alternate stop codon (p.Q1096Vfs*12). This variant is considered to be rare based on population cohorts in the Genome Aggregation Database (gnomAD). This alteration is expected to result in loss of function by premature protein truncation or nonsense-mediated mRNA decay. As such, this alteration is interpreted as a disease-causing mutation.

Labcorp Genetics (formerly Invitae), Labcorp
Classification: Pathogenic for Hereditary breast ovarian cancer syndrome. Last evaluated: 2023-07-24. Review status: criteria provided, single submitter. Criteria: Invitae Variant Classification Sherloc (09022015). Collection method: clinical testing. Allele origin: germline.
Comment: ClinVar contains an entry for this variant (Variation ID: 1383435). For these reasons, this variant has been classified as Pathogenic. This variant has not been reported in the literature in individuals affected with BRCA1-related conditions. This sequence change creates a premature translational stop signal (p.Gln1096Valfs*12) in the BRCA1 gene. It is expected to result in an absent or disrupted protein product. Loss-of-function variants in BRCA1 are known to be pathogenic (PMID: 20104584). This variant is not present in population databases (gnomAD no frequency).

Literature cited by the submitters: PubMed 20104584 (cited by Labcorp Genetics (formerly Invitae), Labcorp).